The following is an entry in ClinVar:

ClinVar aggregate classification (germline): Likely pathogenic (1 of 4 stars; one submission).

Conditions:
Ververi-Brady syndrome. Identifiers: MedGen C4693824, MONDO:0979877, MONDO:0060707.

Submission:

Greenwood Genetic Center Diagnostic Laboratories, Greenwood Genetic Center
Classification: Likely pathogenic for Ververi-Brady syndrome 1. Last evaluated: 2024-05-06. Review status: criteria provided, single submitter. Criteria: ACMG Guidelines, 2015. Collection method: clinical testing. Allele origin: germline. Affected: yes.
Comment: PVS1, PM2

NM_198880.3(QRICH1):c.625C>T (p.Gln209Ter)

Gene: QRICH1 (glutamine rich 1; minus strand). Cytogenetic location: 3p21.31.
Variant type: single nucleotide variant.
Coding change: c.625C>T on transcript NM_198880.3 (MANE Select); coding-DNA position 625, C replaced by T.
Protein change: p.Gln209Ter; replaces glutamine 209 with a stop codon.
Molecular consequence: nonsense.
Genome position (GRCh38, 1-based): chr3:49,057,575, G>A on the plus strand (C>T on the coding strand, the complement: QRICH1 is on the minus strand). VCF-style: chr3-49057575-G-A. GRCh37 (hg19) VCF-style: chr3-49095008-G-A.
Other names: c.625C>T, p.Gln209Ter (NM_001320580.2, NM_001320581.2, NM_001320582.2 and 4 more transcripts); short protein forms Q209*.
Identifiers: ClinVar variation 3338626 (VCV003338626.1).